The following is an entry in ClinVar:

ClinVar aggregate classification (germline): Uncertain significance. Review status: criteria provided, multiple submitters, no conflicts (2 of 4 stars). 4 submissions from 4 submitters: Uncertain significance (4). Last evaluated 2025-07-30.

Conditions:
Developmental and epileptic encephalopathy, 36 (DEE36). Also called: Epileptic encephalopathy, early infantile, 36; ALG13-CDG; Congenital disorder of glycosylation, type Is. Identifiers: Orphanet 324422, MedGen C4317295, MONDO:0010472, OMIM 300884.

Allele frequency attached by ClinVar (database versions not stated): gnomAD 0.00002.

Submissions (4):

Labcorp Genetics (formerly Invitae), Labcorp
Classification: Uncertain significance for Developmental and epileptic encephalopathy, 36. Last evaluated: 2025-07-30. Review status: criteria provided, single submitter. Criteria: Invitae Variant Classification Sherloc (09022015). Collection method: clinical testing. Allele origin: germline.
Comment: This sequence change replaces proline, which is neutral and non-polar, with leucine, which is neutral and non-polar, at codon 923 of the ALG13 protein (p.Pro923Leu). The frequency data for this variant in the population databases is considered unreliable, as metrics indicate poor data quality at this position in the gnomAD database. This variant has not been reported in the literature in individuals affected with ALG13-related conditions. ClinVar contains an entry for this variant (Variation ID: 1311051). Invitae Evidence Modeling of protein sequence and biophysical properties (such as structural, functional, and spatial information, amino acid conservation, physicochemical variation, residue mobility, and thermodynamic stability) indicates that this missense variant is not expected to disrupt ALG13 protein function with a negative predictive value of 95%. In summary, the available evidence is currently insufficient to determine the role of this variant in disease. Therefore, it has been classified as a Variant of Uncertain Significance.

GeneDx
Classification: Uncertain significance. Last evaluated: 2022-03-21. Review status: criteria provided, single submitter. Criteria: GeneDx Variant Classification Process June 2021. Collection method: clinical testing. Allele origin: germline. Affected: yes.
Comment: Not observed at significant frequency in large population cohorts (gnomAD); In silico analysis, which includes protein predictors and evolutionary conservation, supports that this variant does not alter protein structure/function; Has not been previously published as pathogenic or benign to our knowledge

Fulgent Genetics
Classification: Uncertain significance for Developmental and epileptic encephalopathy, 36. Last evaluated: 2021-10-25. Review status: criteria provided, single submitter. Criteria: ACMG Guidelines, 2015. Collection method: clinical testing. Allele origin: unknown.

Breakthrough Genomics
Classification: Uncertain significance. Review status: criteria provided, single submitter. Criteria: ACMG Guidelines, 2015. Collection method: not provided. Allele origin: germline. Inheritance: X-linked inheritance. Affected: yes.

NM_001099922.3(ALG13):c.2768C>T (p.Pro923Leu)

Gene: ALG13 (ALG13 UDP-N-acetylglucosaminyltransferase subunit; plus strand). Cytogenetic location: Xq23.
Variant type: single nucleotide variant.
Coding change: c.2768C>T on transcript NM_001099922.3 (MANE Select); coding-DNA position 2768, C replaced by T.
Protein change: p.Pro923Leu; replaces proline 923 with leucine.
Molecular consequence: missense variant. On other transcripts: intron variant (5).
Genome position (GRCh38, 1-based): chrX:111,744,740, C>T. VCF-style: chrX-111744740-C-T. GRCh37 (hg19) VCF-style: chrX-110987968-C-T.
Other names: c.2534C>T, p.Pro845Leu (NM_001257231.2); c.2383+7861C>T (NM_001257237.2, NM_001257234.2, NM_001257230.2); c.2209+7861C>T (NM_001324293.1); c.2695+7861C>T (NM_001324292.2); short protein forms P845L, P923L.
Identifiers: ClinVar variation 1311051 (VCV001311051.9), dbSNP rs1047232159, ClinGen allele CA334445773.
Genomic context (GRCh38, chrX:111,744,740, plus strand): 5'-CATCCTATCCATGCCATTCTGCTATTCCTCATGCTGGTGCCTCTCTACCACCACCACCAC[C>T]ACCACCACCACCACCACCACCACCACCACCTCCTCCTCCTCCTCCTCCTCCTCCTCCTCC-3'
Protein context (NP_001093392.1, residues 913-933): HAGASLPPPP[Pro923Leu]PPPPPPPPPP